The following is an entry in ClinVar:

ClinVar aggregate classification (germline): Uncertain significance (1 of 4 stars; one submission).

Allele frequency attached by ClinVar (database versions not stated): TOPMed 0.00001; ExAC 0.00006.
gnomAD v4.1: 14 of 1,561,430 alleles (0.0009%); highest among the groups gnomAD compares: East Asian, 0.0048%; no homozygotes.

Submission:

Labcorp Genetics (formerly Invitae), Labcorp
Classification: Uncertain significance. Last evaluated: 2021-10-20. Review status: criteria provided, single submitter. Criteria: Invitae Variant Classification Sherloc (09022015). Collection method: clinical testing. Allele origin: germline.
Comment: This sequence change replaces alanine with valine at codon 314 of the SLC34A3 protein (p.Ala314Val). The alanine residue is weakly conserved and there is a small physicochemical difference between alanine and valine. This variant is present in population databases (rs757810082, ExAC 0.02%). This variant has not been reported in the literature in individuals affected with SLC34A3-related conditions. Algorithms developed to predict the effect of missense changes on protein structure and function output the following: SIFT: "Tolerated"; PolyPhen-2: "Benign"; Align-GVGD: "Class C0". The valine amino acid residue is found in multiple mammalian species, which suggests that this missense change does not adversely affect protein function. In summary, the available evidence is currently insufficient to determine the role of this variant in disease. Therefore, it has been classified as a Variant of Uncertain Significance.

NM_001177316.2(SLC34A3):c.941C>T (p.Ala314Val)

Gene: SLC34A3 (solute carrier family 34 member 3; plus strand). Cytogenetic location: 9q34.3.
Variant type: single nucleotide variant.
Coding change: c.941C>T on transcript NM_001177316.2 (MANE Select); coding-DNA position 941, C replaced by T.
Protein change: p.Ala314Val; replaces alanine 314 with valine.
Molecular consequence: missense variant.
Genome position (GRCh38, 1-based): chr9:137,234,124, C>T. VCF-style: chr9-137234124-C-T. GRCh37 (hg19) VCF-style: chr9-140128576-C-T.
Other names: c.941C>T, p.Ala314Val (NM_001177317.2, NM_080877.3); short protein forms A314V.
Identifiers: ClinVar variation 1417223 (VCV001417223.3), dbSNP rs757810082, ClinGen allele CA5364704.